The following is an entry in ClinVar:

ClinVar aggregate classification (germline): Uncertain significance. Review status: reviewed by expert panel (3 of 4 stars). 5 submissions from 5 submitters: Uncertain significance (1). 4 of the submissions do not count toward it. Last evaluated 2025-01-15.

Conditions:
Hereditary thrombocytopenia and hematological cancer predisposition syndrome associated with RUNX1. Also called: Familial Platelet Disorder with Propensity to Acute Myelogenous Leukemia; Familial thrombocytopenia with propensity to acute myelogenous leukemia; PLATELET DISORDER, ASPIRIN-LIKE; RUNX1 Familial Platelet Disorder with Associated Myeloid Malignancies. Identifiers: Orphanet 71290, MedGen C1832388, MeSH C563324, MONDO:0100083, OMIM 601399.
Acute myeloid leukemia (AML). Also called: Acute myeloid leukemia, adult; AML adult; Acute non-lymphocytic leukemia; Acute granulocytic leukemia; Leukemia, acute myeloid, somatic; Leukemia, acute myelogenous, somatic. Identifiers: Orphanet 519, MedGen C0023467, MeSH D015470, MONDO:0018874, OMIM 601626, HP:0004808. Disease mechanism: Constitutively activated FLT3.
Hereditary thrombocytopenia and hematologic cancer predisposition syndrome. Identifiers: Orphanet 71290, MedGen CN281654, MONDO:0011071.
Inborn genetic diseases. Identifiers: MedGen C0950123, MeSH D030342.

Submissions (5):

ClinGen Myeloid Malignancy Variant Curation Expert Panel
Classification: Uncertain significance for Hereditary thrombocytopenia and hematologic cancer predisposition syndrome. Last evaluated: 2025-01-15. Review status: reviewed by expert panel. Criteria: ClinGen MyeloMalig ACMG Specifications v2. Collection method: curation. Allele origin: germline. Inheritance: Autosomal dominant inheritance.
Comment: NM_001754.5(RUNX1):c.1328A>G (p.Asn443Ser) is a missense variant which has a REVEL score < 0.50 (0.202) and a SpliceAI score ≤ 0.20 (0.0) (BP4). This variant is completely absent from all population databases with at least 20x coverage for RUNX1 (PM2_Supporting). In summary, the clinical significance of this variant is uncertain. ACMG/AMP criteria applied, as specified by the Myeloid Malignancy Variant Curation Expert Panel for RUNX1: BP4, PM2_supporting.

Ambry Genetics
Classification: Likely benign for Inborn genetic diseases. Last evaluated: 2025-05-27. Review status: criteria provided, single submitter. Criteria: Ambry Variant Classification Scheme 2023. Collection method: clinical testing. Allele origin: germline. Not counted in ClinVar's aggregate classification.

Baylor Genetics
Classification: Uncertain significance for Acute myeloid leukemia. Last evaluated: 2023-12-17. Review status: criteria provided, single submitter. Criteria: ACMG Guidelines, 2015. Collection method: clinical testing. Allele origin: unknown. Not counted in ClinVar's aggregate classification.

Labcorp Genetics (formerly Invitae), Labcorp
Classification: Uncertain significance for Hereditary thrombocytopenia and hematological cancer predisposition syndrome associated with RUNX1. Last evaluated: 2023-09-13. Review status: criteria provided, single submitter. Criteria: Invitae Variant Classification Sherloc (09022015). Collection method: clinical testing. Allele origin: germline. Not counted in ClinVar's aggregate classification.
Comment: In summary, the available evidence is currently insufficient to determine the role of this variant in disease. Therefore, it has been classified as a Variant of Uncertain Significance. Advanced modeling of protein sequence and biophysical properties (such as structural, functional, and spatial information, amino acid conservation, physicochemical variation, residue mobility, and thermodynamic stability) performed at Invitae indicates that this missense variant is not expected to disrupt RUNX1 protein function. ClinVar contains an entry for this variant (Variation ID: 2156664). This variant has not been reported in the literature in individuals affected with RUNX1-related conditions. This variant is not present in population databases (gnomAD no frequency). This sequence change replaces asparagine, which is neutral and polar, with serine, which is neutral and polar, at codon 443 of the RUNX1 protein (p.Asn443Ser).

Blueprint Genetics
Classification: Uncertain significance. Last evaluated: 2023-01-19. Review status: criteria provided, single submitter. Criteria: ACMG Guidelines, 2015. Collection method: clinical testing. Allele origin: germline. Not counted in ClinVar's aggregate classification.

NM_001754.5(RUNX1):c.1328A>G (p.Asn443Ser)

Gene: RUNX1 (RUNX family transcription factor 1; minus strand). Cytogenetic location: 21q22.12.
Variant type: single nucleotide variant.
Coding change: c.1328A>G on transcript NM_001754.5 (MANE Select); coding-DNA position 1328, A replaced by G.
Protein change: p.Asn443Ser; replaces asparagine 443 with serine.
Molecular consequence: missense variant.
Genome position (GRCh38, 1-based): chr21:34,792,250, T>C on the plus strand (A>G on the coding strand, the complement: RUNX1 is on the minus strand). VCF-style: chr21-34792250-T-C. GRCh37 (hg19) VCF-style: chr21-36164547-T-C.
Other names: NM_001754.5(RUNX1):c.1328A>G; p.Asn443Ser; c.1247A>G, p.Asn416Ser (NM_001001890.3); short protein forms N416S, N443S.
Identifiers: ClinVar variation 2156664 (VCV002156664.9), dbSNP rs1376285640, ClinGen allele CA410147342.